The following is an entry in ClinVar:

NM_004035.7(ACOX1):c.539-3C>T

Gene: ACOX1 (acyl-CoA oxidase 1; minus strand). Cytogenetic location: 17q25.1.
Variant type: single nucleotide variant.
Coding change: c.539-3C>T on transcript NM_004035.7 (MANE Select); 3 bases into the intron before coding-DNA position 539, C replaced by T.
Molecular consequence: intron variant.
Genome position (GRCh38, 1-based): chr17:75,955,950, G>A on the plus strand (C>T on the coding strand, the complement: ACOX1 is on the minus strand). VCF-style: chr17-75955950-G-A. GRCh37 (hg19) VCF-style: chr17-73952031-G-A.
Other names: c.539-3C>T (NM_007292.6); c.425-3C>T (NM_001185039.2).
Identifiers: ClinVar variation 2907222 (VCV002907222.3), dbSNP rs2065820818, ClinGen allele CA2275764403.
Genomic context (GRCh38, chr17:75,955,950, plus strand): 5'-CATTTCCCCTTAGTGATGAGCTGGGCAAGAACTATTGCATGATTTGAAGTCTTTCCAACT[G>A]TAATATCAAAGAGAACAAGGGAGGGGTGGGCAAACGTTCATACATTTTTAAAGGGTAGAA-3'

ClinVar aggregate classification (germline): Uncertain significance (1 of 4 stars; one submission).

Conditions:
Acyl-CoA oxidase deficiency. Also called: STRAIGHT-CHAIN ACYL-CoA OXIDASE DEFICIENCY; Pseudoneonatal adrenoleukodystrophy; Peroxisomal acyl-CoA oxidase deficiency. Identifiers: Orphanet 2971, MedGen C1849678, MONDO:0009919, OMIM 264470. Disease mechanism: loss of function.

Allele frequency attached by ClinVar (database versions not stated): gnomAD exomes below 0.00001; TOPMed below 0.00001.
gnomAD v4.1: 4 of 1,562,854 alleles (0.00026%); highest among the groups gnomAD compares: African/African-American, 0.0014%; no homozygotes.

Submission:

Labcorp Genetics (formerly Invitae), Labcorp
Classification: Uncertain significance for Acyl-CoA oxidase deficiency. Last evaluated: 2023-08-09. Review status: criteria provided, single submitter. Criteria: Invitae Variant Classification Sherloc (09022015). Collection method: clinical testing. Allele origin: germline.
Comment: In summary, the available evidence is currently insufficient to determine the role of this variant in disease. Therefore, it has been classified as a Variant of Uncertain Significance. Variants that disrupt the consensus splice site are a relatively common cause of aberrant splicing (PMID: 17576681, 9536098). Algorithms developed to predict the effect of sequence changes on RNA splicing suggest that this variant is not likely to affect RNA splicing. This variant has not been reported in the literature in individuals affected with ACOX1-related conditions. This variant is not present in population databases (gnomAD no frequency). This sequence change falls in intron 4 of the ACOX1 gene. It does not directly change the encoded amino acid sequence of the ACOX1 protein. It affects a nucleotide within the consensus splice site.

Literature cited by the submitters: PubMed 17576681; PubMed 9536098.